The following is an entry in ClinVar:

ClinVar aggregate classification (germline): Likely pathogenic (1 of 4 stars; one submission).

Conditions:
Maple syrup urine disease (MSUD). Identifiers: Orphanet 511, MedGen C0024776, MeSH D008375, MONDO:0009563. Disease mechanism: loss of function.

Submission:

Labcorp Genetics (formerly Invitae), Labcorp
Classification: Likely pathogenic for Maple syrup urine disease. Last evaluated: 2023-06-23. Review status: criteria provided, single submitter. Criteria: Invitae Variant Classification Sherloc (09022015). Collection method: clinical testing. Allele origin: germline.
Comment: In summary, the currently available evidence indicates that the variant is pathogenic, but additional data are needed to prove that conclusively. Therefore, this variant has been classified as Likely Pathogenic. Algorithms developed to predict the effect of sequence changes on RNA splicing suggest that this variant may disrupt the consensus splice site. This variant has not been reported in the literature in individuals affected with BCKDHA-related conditions. This variant is not present in population databases (gnomAD no frequency). This sequence change affects a donor splice site in intron 6 of the BCKDHA gene. It is expected to disrupt RNA splicing. Variants that disrupt the donor or acceptor splice site typically lead to a loss of protein function (PMID: 16199547), and loss-of-function variants in BCKDHA are known to be pathogenic (PMID: 16786533, 22593002).

Literature cited by the submitters: PubMed 16199547; PubMed 16786533; PubMed 22593002.

NM_000709.4(BCKDHA):c.853+1G>C

Gene: BCKDHA (branched chain keto acid dehydrogenase E1 subunit alpha; plus strand). Cytogenetic location: 19q13.2.
Variant type: single nucleotide variant.
Coding change: c.853+1G>C on transcript NM_000709.4 (MANE Select); the canonical splice donor site of the intron after coding-DNA position 853, G replaced by C.
Molecular consequence: splice donor variant.
Genome position (GRCh38, 1-based): chr19:41,422,371, G>C. VCF-style: chr19-41422371-G-C. GRCh37 (hg19) VCF-style: chr19-41928276-G-C.
Other names: c.853+1G>C (NM_001164783.2).
Identifiers: ClinVar variation 2720398 (VCV002720398.3), dbSNP rs1555767028, ClinGen allele CA406013106.